The following is an entry in ClinVar:

ClinVar aggregate classification (germline): Uncertain significance (1 of 4 stars; one submission).

Conditions:
Maple syrup urine disease (MSUD). Identifiers: Orphanet 511, MedGen C0024776, MeSH D008375, MONDO:0009563. Disease mechanism: loss of function.

gnomAD v4.1: 1 of 1,613,638 alleles (0.000062%); highest among the groups gnomAD compares: Admixed American, 0.0017%; no homozygotes.

Submission:

Labcorp Genetics (formerly Invitae), Labcorp
Classification: Uncertain significance for Maple syrup urine disease. Last evaluated: 2022-08-23. Review status: criteria provided, single submitter. Criteria: Invitae Variant Classification Sherloc (09022015). Collection method: clinical testing. Allele origin: germline.
Comment: This sequence change replaces isoleucine, which is neutral and non-polar, with leucine, which is neutral and non-polar, at codon 239 of the DBT protein (p.Ile239Leu). This variant is present in population databases (no rsID available, gnomAD 0.003%). This variant has not been reported in the literature in individuals affected with DBT-related conditions. Advanced modeling of protein sequence and biophysical properties (such as structural, functional, and spatial information, amino acid conservation, physicochemical variation, residue mobility, and thermodynamic stability) performed at Invitae indicates that this missense variant is not expected to disrupt DBT protein function. In summary, the available evidence is currently insufficient to determine the role of this variant in disease. Therefore, it has been classified as a Variant of Uncertain Significance.

NM_001918.5(DBT):c.715A>C (p.Ile239Leu)

Gene: DBT (dihydrolipoamide branched chain transacylase E2; minus strand). Cytogenetic location: 1p21.2.
Variant type: single nucleotide variant.
Coding change: c.715A>C on transcript NM_001918.5 (MANE Select); coding-DNA position 715, A replaced by C.
Protein change: p.Ile239Leu; replaces isoleucine 239 with leucine.
Molecular consequence: missense variant. On other transcripts: non-coding transcript variant (3).
Genome position (GRCh38, 1-based): chr1:100,216,040, T>G on the plus strand (A>C on the coding strand, the complement: DBT is on the minus strand). VCF-style: chr1-100216040-T-G. GRCh37 (hg19) VCF-style: chr1-100681596-T-G.
Other names: c.172A>C, p.Ile58Leu (NM_001399969.1, NM_001399972.1); short protein forms I58L, I239L.
Identifiers: ClinVar variation 2178376 (VCV002178376.1), dbSNP rs72973763, ClinGen allele CA341338329.
Genomic context (GRCh38, chr1:100,216,040, plus strand): 5'-TACCTTTTATGGGTTCTGTTTTGTCTTTGCCTGTGAATACCGGAGGTTTTGATACTAGTA[T>G]AGGAACAGTCATGTCTTTTGGCTTTGGTGGAGGTGGCATAATTTCAACTTTGGGTGAAGG-3'
Protein context (NP_001909.4, residues 229-249): PPKPKDMTVP[Ile239Leu]LVSKPPVFTG